The following is an entry in ClinVar:

NM_176824.3(BBS7):c.220G>T (p.Val74Phe)

Gene: BBS7 (Bardet-Biedl syndrome 7; minus strand). Cytogenetic location: 4q27.
Variant type: single nucleotide variant.
Coding change: c.220G>T on transcript NM_176824.3 (MANE Select); coding-DNA position 220, G replaced by T.
Protein change: p.Val74Phe; replaces valine 74 with phenylalanine.
Molecular consequence: missense variant.
Genome position (GRCh38, 1-based): chr4:121,861,625, C>A on the plus strand (G>T on the coding strand, the complement: BBS7 is on the minus strand). VCF-style: chr4-121861625-C-A. GRCh37 (hg19) VCF-style: chr4-122782780-C-A.
Other names: c.220G>T, p.Val74Phe (NM_018190.4); short protein forms V74F.
Identifiers: ClinVar variation 4991529 (VCV004991529.1).

ClinVar aggregate classification (germline): Uncertain significance (1 of 4 stars; one submission).

Conditions:
BBS7-related disorder. Also called: BBS7-related condition.

gnomAD v4.1: 3 of 1,613,164 alleles (0.00019%); highest among the groups gnomAD compares: Non-Finnish European, 0.00025%; no homozygotes.

Submission:

PreventionGenetics, part of Exact Sciences
Classification: Uncertain significance for BBS7-related condition. Last evaluated: 2025-11-26. Review status: criteria provided, single submitter. Criteria: ACMG Guidelines, 2015. Collection method: clinical testing. Allele origin: germline.
Comment: The BBS7 c.220G>T variant is predicted to result in the amino acid substitution p.Val74Phe. To our knowledge, this variant has not been reported in the literature or in a large population database (gnomAD), indicating this variant is rare. At this time, the clinical significance of this variant is uncertain due to the absence of conclusive functional and genetic evidence.